The following is an entry in ClinVar:

ClinVar aggregate classification (germline): Likely benign. Review status: criteria provided, multiple submitters, no conflicts (2 of 4 stars). 2 submissions from 2 submitters: Likely benign (2). Last evaluated 2025-11-06.

Conditions:
Aicardi-Goutieres syndrome 5. Identifiers: Orphanet 51, MedGen C2749659, MONDO:0013059, OMIM 612952.

Allele frequency attached by ClinVar (database versions not stated): TOPMed below 0.00001; gnomAD 0.00001; gnomAD exomes 0.00001.
gnomAD v4.1: 12 of 1,612,644 alleles (0.00074%); highest among the groups gnomAD compares: Admixed American, 0.005%; no homozygotes.

Submissions (2):

Mayo Clinic Laboratories, Mayo Clinic
Classification: Likely benign. Last evaluated: 2025-11-06. Review status: criteria provided, single submitter. Criteria: ACMG Guidelines, 2015. Collection method: clinical testing. Allele origin: germline. Observed: 1 variant allele.
Comment: BP4, BP7

Labcorp Genetics (formerly Invitae), Labcorp
Classification: Likely benign for Aicardi-Goutieres syndrome 5. Last evaluated: 2024-01-11. Review status: criteria provided, single submitter. Criteria: Invitae Variant Classification Sherloc (09022015). Collection method: clinical testing. Allele origin: germline.

NM_015474.4(SAMHD1):c.333C>T (p.His111=)

Gene: SAMHD1 (SAM and HD domain containing deoxynucleoside triphosphate triphosphohydrolase 1; minus strand). Cytogenetic location: 20q11.23.
Variant type: single nucleotide variant.
Coding change: c.333C>T on transcript NM_015474.4 (MANE Select); coding-DNA position 333, C replaced by T.
Protein change: p.His111=; no amino-acid change (histidine 111 retained).
Molecular consequence: synonymous variant.
Genome position (GRCh38, 1-based): chr20:36,941,054, G>A on the plus strand (C>T on the coding strand, the complement: SAMHD1 is on the minus strand). VCF-style: chr20-36941054-G-A. GRCh37 (hg19) VCF-style: chr20-35569457-G-A.
Other names: p.His111=; c.333C>T, p.His111= (NM_001363729.2, NM_001363733.2); c.333C>T (NM_015474.3).
Identifiers: ClinVar variation 1113145 (VCV001113145.10), dbSNP rs1396545191, ClinGen allele CA510386649.
Genomic context (GRCh38, chr20:36,941,054, plus strand): 5'-TATCACTTTATATTCAAAAAACATAACAAACTCAGATCCTCTTACCTTCATTGTATCAAC[G>A]TGGATTTGAACCAATCGCTGGATATAACTAAGCAGCTTCTTCCTCTCCCCCAAGGAACTA-3'
Protein context (NP_056289.2, residues 101-121): LSYIQRLVQI[His111=]VDTMKVINDP